The following is an entry in ClinVar:

ClinVar aggregate classification (germline): Uncertain significance (1 of 4 stars; one submission).

Conditions:
Encephalopathy, acute, infection-induced (herpes-specific), susceptibility to, 1. Also called: Herpes simplex encephalitis, susceptibility to, 1. Identifiers: Orphanet 1930, MedGen C2750180, MONDO:0024563, OMIM 610551.

Submission:

Labcorp Genetics (formerly Invitae), Labcorp
Classification: Uncertain significance for Encephalopathy, acute, infection-induced (herpes-specific), susceptibility to, 1. Last evaluated: 2025-08-03. Review status: criteria provided, single submitter. Criteria: Invitae Variant Classification Sherloc (09022015). Collection method: clinical testing. Allele origin: germline.
Comment: This sequence change creates a premature translational stop signal (p.His563Profs*4) in the TLR3 gene. It is expected to result in an absent or disrupted protein product. However, the current clinical and genetic evidence is not sufficient to establish whether loss-of-function variants in TLR3 cause disease. This variant is not present in population databases (gnomAD no frequency). This variant has not been reported in the literature in individuals affected with TLR3-related conditions. In summary, the available evidence is currently insufficient to determine the role of this variant in disease. Therefore, it has been classified as a Variant of Uncertain Significance.

NM_003265.3(TLR3):c.1688_1692del (p.His563fs)

Gene: TLR3 (toll like receptor 3; plus strand). Cytogenetic location: 4q35.1.
Variant type: Deletion.
Coding change: c.1688_1692del on transcript NM_003265.3 (MANE Select); coding-DNA positions 1688 to 1692, 5 bases deleted (ACCTC; older notation c.1688_1692delACCTC).
Protein change: p.His563fs; shifts the reading frame from histidine 563.
Molecular consequence: frameshift variant.
Genome position (GRCh38, 1-based): chr4:186,083,374-186,083,378, ACCTC deleted; deleting any 5 consecutive bases within chr4:186,083,371-186,083,378 gives the same sequence; the c. name uses the placement nearest the transcript's 3' end. VCF-style (leftmost placement, unchanged base first): chr4-186083370-TCTCAC-T. GRCh37 (hg19) VCF-style: chr4-187004524-TCTCAC-T.
Other names: short protein forms H563fs.
Identifiers: ClinVar variation 4779838 (VCV004779838.1).